The following is an entry in ClinVar:

NM_015272.5(RPGRIP1L):c.813del (p.His272fs)

Gene: RPGRIP1L (RPGRIP1 like; minus strand). Cytogenetic location: 16q12.2.
Variant type: Deletion.
Coding change: c.813del on transcript NM_015272.5 (MANE Select); coding-DNA position 813, one base deleted (T; older notation c.813delT).
Protein change: p.His272fs; shifts the reading frame from histidine 272.
Molecular consequence: frameshift variant.
Genome position (GRCh38, 1-based): chr16:53,675,086, A deleted on the plus strand (T on the coding strand, the reverse complement: RPGRIP1L is on the minus strand); the first of 2 consecutive A bases (chr16:53,675,086-53,675,087); deleting either gives the same sequence. VCF-style (leftmost placement, unchanged base first): chr16-53675085-GA-G. GRCh37 (hg19) VCF-style: chr16-53708997-GA-G.
Other names: c.813del, p.His272fs (NM_001127897.4, NM_001308334.3, NM_001330538.2); short protein forms H272fs.
Identifiers: ClinVar variation 4815851 (VCV004815851.1).

ClinVar aggregate classification (germline): Likely pathogenic (1 of 4 stars; one submission).

Conditions:
Joubert syndrome. Also called: Familial aplasia of the vermis; JOUBERT-BOLTSHAUSER SYNDROME; CEREBELLOPARENCHYMAL DISORDER IV. Identifiers: Orphanet 475, MedGen C5979921, MONDO:0018772.

Submission:

Natera, Inc.
Classification: Likely pathogenic for Joubert syndrome. Last evaluated: 2024-02-29. Review status: criteria provided, single submitter. Criteria: Natera Variant Classification Schema (03/2026). Collection method: clinical testing. Allele origin: germline.
Comment: The c.813delT variant in RPGRIP1L is a frameshift variant predicted to shift the reading frame beginning at codon 272 and leads to a stop codon 4 codons downstream. This variant is expected to result in nonsense mediated decay, truncation, or a dysfunctional protein product. This variant is rare in the general population with a frequency below the threshold expected for the associated phenotype(s). Given the available evidence, this variant is classified as Likely Pathogenic.